The following is an entry in ClinVar:

ClinVar aggregate classification (germline): Uncertain significance (1 of 4 stars; one submission).

Conditions:
Autosomal recessive limb-girdle muscular dystrophy type 2P. Also called: MUSCULAR DYSTROPHY-DYSTROGLYCANOPATHY, LIMB-GIRDLE, DAG1-RELATED; Limb-Girdle Muscular Dystrophy Type 9C; MUSCULAR DYSTROPHY, LIMB-GIRDLE, TYPE 2P. Identifiers: Orphanet 280333, MedGen C4511963, MONDO:0013440, OMIM 613818.
Muscular dystrophy-dystroglycanopathy (congenital with brain and eye anomalies), type A9. Also called: WALKER-WARBURG SYNDROME OR MUSCLE-EYE BRAIN DISEASE, DAG1-RELATED; Muscular dystrophy-dystroglycanopathy (congenital with brain and eye anomalies), type a, 9. Identifiers: Orphanet 370997, Orphanet 899, MedGen C4225291, MONDO:0014683, OMIM 616538.

Submission:

Labcorp Genetics (formerly Invitae), Labcorp
Classification: Uncertain significance for Autosomal recessive limb-girdle muscular dystrophy type 2P; Muscular dystrophy-dystroglycanopathy (congenital with brain and eye anomalies), type A9. Last evaluated: 2021-05-24. Review status: criteria provided, single submitter. Criteria: Invitae Variant Classification Sherloc (09022015). Collection method: clinical testing. Allele origin: germline.
Comment: This variant has not been reported in the literature in individuals with DAG1-related conditions. This variant is not present in population databases (ExAC no frequency). This sequence change replaces glutamine with histidine at codon 600 of the DAG1 protein (p.Gln600His). The glutamine residue is moderately conserved and there is a small physicochemical difference between glutamine and histidine. Algorithms developed to predict the effect of missense changes on protein structure and function are either unavailable or do not agree on the potential impact of this missense change (SIFT: "Deleterious"; PolyPhen-2: "Benign"; Align-GVGD: "Class C0"). In summary, the available evidence is currently insufficient to determine the role of this variant in disease. Therefore, it has been classified as a Variant of Uncertain Significance.

NM_004393.6(DAG1):c.1800A>T (p.Gln600His)

Gene: DAG1 (dystroglycan 1; plus strand). Cytogenetic location: 3p21.31.
Variant type: single nucleotide variant.
Coding change: c.1800A>T on transcript NM_004393.6 (MANE Select); coding-DNA position 1800, A replaced by T.
Protein change: p.Gln600His; replaces glutamine 600 with histidine.
Molecular consequence: missense variant.
Genome position (GRCh38, 1-based): chr3:49,532,311, A>T. VCF-style: chr3-49532311-A-T. GRCh37 (hg19) VCF-style: chr3-49569744-A-T.
Other names: c.1800A>T, p.Gln600His (NM_001165928.4, NM_001177634.3, NM_001177635.3 and 9 more transcripts); short protein forms Q600H.
Identifiers: ClinVar variation 1474705 (VCV001474705.8), dbSNP rs755173858, ClinGen allele CA352796173.